The following is an entry in ClinVar:

NM_000256.3(MYBPC3):c.2560A>G (p.Met854Val)

Gene: MYBPC3 (myosin binding protein C3; minus strand). Cytogenetic location: 11p11.2.
Variant type: single nucleotide variant.
Coding change: c.2560A>G on transcript NM_000256.3 (MANE Select); coding-DNA position 2560, A replaced by G.
Protein change: p.Met854Val; replaces methionine 854 with valine.
Molecular consequence: missense variant.
Genome position (GRCh38, 1-based): chr11:47,337,433, T>C on the plus strand (A>G on the coding strand, the complement: MYBPC3 is on the minus strand). VCF-style: chr11-47337433-T-C. GRCh37 (hg19) VCF-style: chr11-47358984-T-C.
Other names: short protein forms M854V.
Identifiers: ClinVar variation 42642 (VCV000042642.23), dbSNP rs373171036, ClinGen allele CA012649.

ClinVar aggregate classification (germline): Uncertain significance. Review status: criteria provided, multiple submitters, no conflicts (2 of 4 stars). 8 submissions from 8 submitters: Uncertain significance (8). Last evaluated 2025-12-09.

Conditions:
Cardiovascular phenotype. Identifiers: MedGen CN230736.
Hypertrophic cardiomyopathy 4. Also called: Familial hypertrophic cardiomyopathy 4. Identifiers: MedGen C1861862, MONDO:0007268, OMIM 115197.
Left ventricular noncompaction 10 (LVNC10). Identifiers: Orphanet 154, Orphanet 54260, MedGen C3715165, MONDO:0014163, OMIM 615396.
Cardiomyopathy (CMYO). Also called: Cardiomyopathies. Identifiers: Orphanet 167848, MedGen C0878544, MONDO:0004994, HP:0001638. Inheritance: Various modes of inheritance.
Primary familial hypertrophic cardiomyopathy (HCM). Identifiers: Orphanet 99739, MedGen C0949658, MeSH D024741, MONDO:0024573. Inheritance: Various modes of inheritance.
Hypertrophic cardiomyopathy. Also called: HYPERTROPHIC MYOCARDIOPATHY. Identifiers: Orphanet 217569, MedGen C0007194, MeSH D002312, MONDO:0005045, HP:0001639.

Allele frequency attached by ClinVar (database versions not stated): gnomAD 0.00003 and 0.00004; TOPMed 0.00006; ESP Exome Variant Server 0.00008.
gnomAD v4.1: 8 of 1,610,184 alleles (0.0005%); highest among the groups gnomAD compares: African/African-American, 0.011%; no homozygotes.

Submissions (8):

Labcorp Genetics (formerly Invitae), Labcorp
Classification: Uncertain significance for Hypertrophic cardiomyopathy. Last evaluated: 2025-12-09. Review status: criteria provided, single submitter. Criteria: Invitae Variant Classification Sherloc (09022015). Collection method: clinical testing. Allele origin: germline.
Comment: This sequence change replaces methionine, which is neutral and non-polar, with valine, which is neutral and non-polar, at codon 854 of the MYBPC3 protein (p.Met854Val). This variant is present in population databases (rs373171036, gnomAD 0.01%). This missense change has been observed in individual(s) with hypertrophic cardiomyopathy (PMID: 27532257, 29247119, 37652022). ClinVar contains an entry for this variant (Variation ID: 42642). An algorithm developed to predict the effect of missense changes on protein structure and function (PolyPhen-2) suggests that this variant is likely to be tolerated. In summary, the available evidence is currently insufficient to determine the role of this variant in disease. Therefore, it has been classified as a Variant of Uncertain Significance.

Fulgent Genetics
Classification: Uncertain significance for Hypertrophic cardiomyopathy 4; Left ventricular noncompaction 10. Last evaluated: 2024-05-03. Review status: criteria provided, single submitter. Criteria: ACMG Guidelines, 2015. Collection method: clinical testing. Allele origin: germline.

All of Us Research Program, National Institutes of Health
Classification: Uncertain significance for Hypertrophic cardiomyopathy. Last evaluated: 2023-10-06. Review status: criteria provided, single submitter. Criteria: ACMG Guidelines, 2015. Collection method: clinical testing. Allele origin: germline. Inheritance: Autosomal dominant inheritance. Observed: 2 variant alleles, 2 heterozygotes.
Comment: This missense variant replaces methionine with valine at codon 854 of the MYBPC3 protein. Computational prediction suggests that this variant may not impact protein structure and function (internally defined REVEL score threshold <= 0.5, PMID: 27666373). To our knowledge, functional studies have not been reported for this variant. This variant has been reported in at least one individual affected with hypertrophic cardiomyopathy (PMID: 27532257) and in one individual who experienced sudden unexplained death (PMID: 29247119). This variant has been identified in 3/276678 chromosomes in the general population by the Genome Aggregation Database (gnomAD). The available evidence is insufficient to determine the role of this variant in disease conclusively. Therefore, this variant is classified as a Variant of Uncertain Significance.

This study involves interpretation of variants in research participants for the purpose of population health screening. Participant phenotype was not available at the time of variant classification. Additional details can be found in publication PMID: 35346344, PMCID: PMC8962531

Color Diagnostics, LLC DBA Color Health
Classification: Uncertain significance for Cardiomyopathy. Last evaluated: 2023-09-20. Review status: criteria provided, single submitter. Criteria: ACMG Guidelines, 2015. Collection method: clinical testing. Allele origin: germline.
Comment: This missense variant replaces methionine with valine at codon 854 of the MYBPC3 protein. Computational prediction suggests that this variant may not impact protein structure and function. To our knowledge, functional studies have not been reported for this variant. This variant has been reported in at least one individual affected with hypertrophic cardiomyopathy (PMID: 27532257) and in one individual who experienced sudden unexplained death (PMID: 29247119). This variant has been identified in 3/276678 chromosomes in the general population by the Genome Aggregation Database (gnomAD). The available evidence is insufficient to determine the role of this variant in disease conclusively. Therefore, this variant is classified as a Variant of Uncertain Significance.

Ambry Genetics
Classification: Uncertain significance for Cardiovascular phenotype. Last evaluated: 2022-12-08. Review status: criteria provided, single submitter. Criteria: Ambry Variant Classification Scheme 2023. Collection method: clinical testing. Allele origin: germline.

GeneDx
Classification: Uncertain significance. Last evaluated: 2022-02-22. Review status: criteria provided, single submitter. Criteria: GeneDx Variant Classification Process June 2021. Collection method: clinical testing. Allele origin: germline. Affected: yes.
Comment: Reported in association with HCM and sudden unexplained death (Walsh et al., 2017; Lin et al., 2017); In silico analysis, which includes protein predictors and evolutionary conservation, supports that this variant does not alter protein structure/function; Reported in ClinVar as a variant of uncertain significance (ClinVar Variant ID# 42642; ClinVar); This variant is associated with the following publications: (PMID: 29247119, 27532257)

Molecular Diagnostic Laboratory for Inherited Cardiovascular Disease, Montreal Heart Institute
Classification: Uncertain significance for Primary familial hypertrophic cardiomyopathy. Last evaluated: 2016-09-22. Review status: criteria provided, single submitter. Criteria: ACMG Guidelines, 2015. Collection method: clinical testing. Allele origin: germline. Affected: yes.

Laboratory for Molecular Medicine, Mass General Brigham Personalized Medicine
Classification: Uncertain significance. Last evaluated: 2010-01-27. Review status: criteria provided, single submitter. Criteria: LMM Criteria. Collection method: clinical testing. Allele origin: germline. Observed: 1 variant allele.

Literature cited by the submitters: PubMed 27532257 (cited by 3 submitters); PubMed 29247119 (cited by 3 submitters); PubMed 37652022 (cited by Labcorp Genetics (formerly Invitae), Labcorp).